The following is an entry in ClinVar:

NM_018255.4(ELP2):c.2205T>G (p.Ser735=)

Gene: ELP2 (elongator acetyltransferase complex subunit 2; plus strand). Cytogenetic location: 18q12.2.
Variant type: single nucleotide variant.
Coding change: c.2205T>G on transcript NM_018255.4 (MANE Select); coding-DNA position 2205, T replaced by G.
Protein change: p.Ser735=; no amino-acid change (serine 735 retained).
Molecular consequence: synonymous variant. On other transcripts: non-coding transcript variant (3).
Genome position (GRCh38, 1-based): chr18:36,170,191, T>G. VCF-style: chr18-36170191-T-G. GRCh37 (hg19) VCF-style: chr18-33750154-T-G.
Other names: c.2127T>G, p.Ser709= (NM_001242877.3); c.1995T>G, p.Ser665= (NM_001242878.3, NM_001242879.3); c.2073T>G, p.Ser691= (NM_001324465.2); c.2322T>G, p.Ser774= (NM_001324466.2); c.2055T>G, p.Ser685= (NM_001324467.2); c.1758T>G, p.Ser586= (NM_001324468.2); c.2400T>G, p.Ser800= (NM_001242875.3); c.2190T>G, p.Ser730= (NM_001242876.3).
Identifiers: ClinVar variation 3257438 (VCV003257438.17).

ClinVar aggregate classification (germline): Likely benign (1 of 4 stars; one submission).

Submission:

CeGaT Center for Human Genetics Tuebingen
Classification: Likely benign. Last evaluated: 2024-07-01. Review status: criteria provided, single submitter. Criteria: CeGaT Center For Human Genetics Tuebingen Variant Classification Criteria Version 2. Collection method: clinical testing. Allele origin: germline. Affected: yes. Observed: 1 variant allele.
Comment: ELP2: PM2:Supporting, BP4, BP7